The following is an entry in ClinVar:

NM_001130438.3(SPTAN1):c.6763-44G>A

Gene: SPTAN1 (spectrin alpha, non-erythrocytic 1; plus strand). Cytogenetic location: 9q34.11.
Variant type: single nucleotide variant.
Coding change: c.6763-44G>A on transcript NM_001130438.3 (MANE Select); 44 bases into the intron before coding-DNA position 6763, G replaced by A.
Molecular consequence: intron variant.
Genome position (GRCh38, 1-based): chr9:128,632,083, G>A. VCF-style: chr9-128632083-G-A. GRCh37 (hg19) VCF-style: chr9-131394362-G-A.
Other names: c.6826-44G>A (NM_001363759.2); c.6748-44G>A (NM_003127.4); c.6703-44G>A (NM_001363765.2); c.6688-44G>A (NM_001195532.2).
Identifiers: ClinVar variation 674347 (VCV000674347.1), dbSNP rs148133620, ClinGen allele CA5265902.

ClinVar aggregate classification (germline): Likely benign (1 of 4 stars; one submission).

Allele frequency attached by ClinVar (database versions not stated): gnomAD exomes 0.00043 and 0.00176; gnomAD 0.00061 and 0.00075; TOPMed 0.00095; ExAC 0.00193; 1000 Genomes Project 30x 0.00312; 1000 Genomes Project 0.00339.
gnomAD v4.1: 838 of 1,601,092 alleles (0.052%); highest among the groups gnomAD compares: East Asian, 1.6%; 12 homozygotes.

Submission:

GeneDx
Classification: Likely benign. Last evaluated: 2018-06-19. Review status: criteria provided, single submitter. Criteria: GeneDx Variant Classification (06012015). Collection method: clinical testing. Allele origin: germline. Affected: yes.
Comment: This variant is considered likely benign or benign based on one or more of the following criteria: it is a conservative change, it occurs at a poorly conserved position in the protein, it is predicted to be benign by multiple in silico algorithms, and/or has population frequency not consistent with disease.